The following is an entry in ClinVar:

ClinVar aggregate classification (germline): Uncertain significance (1 of 4 stars; one submission).

Submission:

Labcorp Genetics (formerly Invitae), Labcorp
Classification: Uncertain significance. Last evaluated: 2026-01-21. Review status: criteria provided, single submitter. Criteria: Invitae Variant Classification Sherloc (09022015). Collection method: clinical testing. Allele origin: germline.
Comment: This sequence change replaces glutamine, which is neutral and polar, with histidine, which is basic and polar, at codon 743 of the ALPK3 protein (p.Gln743His). This variant is not present in population databases (gnomAD no frequency). This variant has not been reported in the literature in individuals affected with ALPK3-related conditions. Invitae Evidence Modeling of protein sequence and biophysical properties (such as structural, functional, and spatial information, amino acid conservation, physicochemical variation, residue mobility, and thermodynamic stability) indicates that this missense variant is expected to disrupt ALPK3 protein function with a positive predictive value of 80%. In summary, the available evidence is currently insufficient to determine the role of this variant in disease. Therefore, it has been classified as a Variant of Uncertain Significance.

NM_020778.5(ALPK3):c.1623G>C (p.Gln541His)

Genes: ALPK3 (alpha kinase 3; plus strand), LOC111718493 (skeletal muscle cis-regulatory module overlapping ALPK3; plus strand). Cytogenetic location: 15q25.3.
Variant type: single nucleotide variant.
Coding change: c.1623G>C on transcript NM_020778.5 (MANE Select); coding-DNA position 1623, G replaced by C.
Protein change: p.Gln541His; replaces glutamine 541 with histidine.
Molecular consequence: missense variant.
Genome position (GRCh38, 1-based): chr15:84,840,902, G>C. VCF-style: chr15-84840902-G-C. GRCh37 (hg19) VCF-style: chr15-85384133-G-C.
Other names: short protein forms Q541H.
Identifiers: ClinVar variation 4810315 (VCV004810315.1).